The following is an entry in ClinVar:

ClinVar aggregate classification (germline): Uncertain significance (1 of 4 stars; one submission).

Conditions:
TTN-related disorder. Also called: TTN-related condition; TTN-related disease; TTN-related disorders.

Allele frequency attached by ClinVar (database versions not stated): TOPMed 0.00001.

Submission:

PreventionGenetics, part of Exact Sciences
Classification: Uncertain significance for TTN-related condition. Last evaluated: 2023-06-02. Review status: criteria provided, single submitter. Criteria: ACMG Guidelines, 2015. Collection method: clinical testing. Allele origin: germline.
Comment: The TTN c.16769A>C variant is predicted to result in the amino acid substitution p.Asn5590Thr. To our knowledge, this variant has not been reported in the literature or in a large population database, indicating this variant is rare. At this time, the clinical significance of this variant is uncertain due to the absence of conclusive functional and genetic evidence.

NM_001267550.2(TTN):c.11312-3710A>C

Gene: TTN (titin; minus strand). Cytogenetic location: 2q31.2.
Variant type: single nucleotide variant.
Coding change: c.11312-3710A>C on transcript NM_001267550.2 (MANE Select); 3710 bases into the intron before coding-DNA position 11312, A replaced by C.
Molecular consequence: intron variant. On other transcripts: missense variant (1).
Genome position (GRCh38, 1-based): chr2:178,745,631, T>G on the plus strand (A>C on the coding strand, the complement: TTN is on the minus strand). VCF-style: chr2-178745631-T-G. GRCh37 (hg19) VCF-style: chr2-179610358-T-G.
Other names: c.16769A>C, p.Asn5590Thr (NM_133379.5); c.10223-3710A>C (NM_003319.4); c.10799-3710A>C (NM_133437.4); c.10598-3710A>C (NM_133432.3); c.10361-7271A>C (NM_133378.4); c.10361-3710A>C (NM_001256850.1); short protein forms N5590T.
Identifiers: ClinVar variation 2632600 (VCV002632600.1), dbSNP rs910899143, ClinGen allele CA60986061.